The following is an entry in ClinVar:

NM_025243.4(SLC19A3):c.384C>G (p.Tyr128Ter)

Gene: SLC19A3 (solute carrier family 19 member 3; minus strand). Cytogenetic location: 2q36.3.
Variant type: single nucleotide variant.
Coding change: c.384C>G on transcript NM_025243.4 (MANE Select); coding-DNA position 384, C replaced by G.
Protein change: p.Tyr128Ter; replaces tyrosine 128 with a stop codon.
Molecular consequence: nonsense.
Genome position (GRCh38, 1-based): chr2:227,699,331, G>C on the plus strand (C>G on the coding strand, the complement: SLC19A3 is on the minus strand). VCF-style: chr2-227699331-G-C. GRCh37 (hg19) VCF-style: chr2-228564047-G-C.
Other names: c.384C>G, p.Tyr128Ter (NM_001371411.1, NM_001371412.1); c.372C>G, p.Tyr124Ter (NM_001371413.1, NM_001371414.1); short protein forms Y128*, Y124*.
Identifiers: ClinVar variation 953688 (VCV000953688.8), dbSNP rs746490830, ClinGen allele CA350877331.

ClinVar aggregate classification (germline): Pathogenic (1 of 4 stars; one submission).

Conditions:
Biotin-responsive basal ganglia disease (BTBGD). Also called: Thiamine metabolism dysfunction syndrome type 2; THIAMINE METABOLISM DYSFUNCTION SYNDROME 2 (BIOTIN- AND THIAMINE-RESPONSIVE TYPE); Thiamine metabolism dysfunction syndrome 2 (biotin- or thiamine-responsive encephalopathy type 2); thiamine-responsive encephalopathy; Thiamine Transporter-2 Deficiency. Identifiers: Orphanet 199348, Orphanet 65284, MedGen C1843807, MONDO:0011841, OMIM 607483.

Submission:

Labcorp Genetics (formerly Invitae), Labcorp
Classification: Pathogenic for Biotin-responsive basal ganglia disease. Last evaluated: 2024-08-31. Review status: criteria provided, single submitter. Criteria: Invitae Variant Classification Sherloc (09022015). Collection method: clinical testing. Allele origin: germline.
Comment: This sequence change creates a premature translational stop signal (p.Tyr128*) in the SLC19A3 gene. It is expected to result in an absent or disrupted protein product. Loss-of-function variants in SLC19A3 are known to be pathogenic (PMID: 23423671, 23482991). This variant is not present in population databases (gnomAD no frequency). This premature translational stop signal has been observed in individual(s) with SLC19A3-related conditions (PMID: 31967322). ClinVar contains an entry for this variant (Variation ID: 953688). For these reasons, this variant has been classified as Pathogenic.

Literature cited by the submitters: PubMed 23423671; PubMed 23482991; PubMed 31967322.